The following is an entry in ClinVar:

NM_006186.4(NR4A2):c.*659_*661del

Gene: NR4A2 (nuclear receptor subfamily 4 group A member 2; minus strand). Cytogenetic location: 2q24.1.
Variant type: Deletion.
Coding change: c.*659_*661del on transcript NM_006186.4 (MANE Select); 659 bases downstream of the stop codon through 661 bases downstream of the stop codon, 3 bases deleted (TAA; older notation c.*659_*661delTAA).
Molecular consequence: 3 prime UTR variant.
Genome position (GRCh38, 1-based): chr2:156,325,083-156,325,085, TTA deleted on the plus strand (TAA on the coding strand, the reverse complement: NR4A2 is on the minus strand); deleting any 3 consecutive bases within chr2:156,325,083-156,325,087 gives the same sequence; the c. name uses the placement nearest the transcript's 3' end. VCF-style (leftmost placement, unchanged base first): chr2-156325082-TTTA-T. GRCh37 (hg19) VCF-style: chr2-157181594-TTTA-T.
Other names: c.*659_*661del (NM_173173.3).
Identifiers: ClinVar variation 331652 (VCV000331652.29), dbSNP rs577936871, ClinGen allele CA10611055.

ClinVar aggregate classification (germline): Likely benign (1 of 4 stars; one submission).

Submission:

CeGaT Center for Human Genetics Tuebingen
Classification: Likely benign. Last evaluated: 2023-02-01. Review status: criteria provided, single submitter. Criteria: CeGaT Center For Human Genetics Tuebingen Variant Classification Criteria Version 2. Collection method: clinical testing. Allele origin: germline. Affected: yes. Observed: 5 variant alleles.
Comment: NR4A2: BS1